The following is an entry in ClinVar:

ClinVar aggregate classification (germline): Uncertain significance. Review status: criteria provided, multiple submitters, no conflicts (2 of 4 stars). 2 submissions from 2 submitters: Uncertain significance (2). Last evaluated 2024-10-22.

Allele frequency attached by ClinVar (database versions not stated): ESP Exome Variant Server 0.00035; 1000 Genomes Project 0.00040; 1000 Genomes Project 30x 0.00047.
gnomAD v4.1: 514 of 765,238 alleles (0.067%); highest among the groups gnomAD compares: Admixed American, 0.11%; no homozygotes.

Submissions (2):

Labcorp Genetics (formerly Invitae), Labcorp
Classification: Uncertain significance. Last evaluated: 2024-10-22. Review status: criteria provided, single submitter. Criteria: Invitae Variant Classification Sherloc (09022015). Collection method: clinical testing. Allele origin: germline.
Comment: This variant occurs in the SNORD118 gene, which encodes an RNA molecule that does not result in a protein product. This variant is present in population databases (rs201017034, gnomAD 0.1%), and has an allele count higher than expected for a pathogenic variant. This variant has not been reported in the literature in individuals affected with SNORD118-related conditions. ClinVar contains an entry for this variant (Variation ID: 1475356). Experimental studies and prediction algorithms are not available or were not evaluated, and the functional significance of this variant is currently unknown. In summary, the available evidence is currently insufficient to determine the role of this variant in disease. Therefore, it has been classified as a Variant of Uncertain Significance.

Breakthrough Genomics
Classification: Uncertain significance. Review status: criteria provided, single submitter. Criteria: ACMG Guidelines, 2015. Collection method: not provided. Allele origin: germline. Inheritance: Autosomal recessive inheritance. Affected: yes.

NR_033294.2(SNORD118):n.87C>T

Genes: SNORD118 (small nucleolar RNA, C/D box 118; minus strand), TMEM107 (transmembrane protein 107; minus strand). Cytogenetic location: 17p13.1.
Variant type: single nucleotide variant.
Molecular consequence: non-coding transcript variant (on NR_033294.2). On other transcripts: 3 prime UTR variant (5).
Genome position: GRCh38 VCF-style: chr17-8173502-G-A. GRCh37 (hg19) VCF-style: chr17-8076820-G-A.
Other names: c.*701C>T (NM_001351278.2, NM_001351279.2, NM_001351280.2 and 2 more transcripts).
Identifiers: ClinVar variation 1475356 (VCV001475356.5), dbSNP rs201017034, ClinGen allele CA8370656.
Genomic context (GRCh38, chr17:8,173,502, plus strand): 5'-TCGTCAGAAAGAATCAGACAGGAGCAATCAGGGTGTTGCAAGTCCTGATTACGCAGAGAC[G>A]TTAATCACGTTTCATGCATCTCCAATCATCATGTTCTAATCTGCCCTCCGGAGGAGGAAC-3'